The following is an entry in ClinVar:

NM_015311.3(OBSL1):c.4877-7C>T

Gene: OBSL1 (obscurin like cytoskeletal adaptor 1; minus strand). Cytogenetic location: 2q35.
Variant type: single nucleotide variant.
Coding change: c.4877-7C>T on transcript NM_015311.3 (MANE Select); 7 bases into the intron before coding-DNA position 4877, C replaced by T.
Molecular consequence: intron variant.
Genome position (GRCh38, 1-based): chr2:219,553,693, G>A on the plus strand (C>T on the coding strand, the complement: OBSL1 is on the minus strand). VCF-style: chr2-219553693-G-A. GRCh37 (hg19) VCF-style: chr2-220418415-G-A.
Other names: c.4877-7C>T (NM_015311.2).
Identifiers: ClinVar variation 1659080 (VCV001659080.11), dbSNP rs377217282, ClinGen allele CA2130393.

ClinVar aggregate classification (germline): Likely benign. Review status: criteria provided, single submitter (1 of 4 stars). 2 submissions from 2 submitters: Likely benign (1). 1 of the submissions does not count toward it. Last evaluated 2026-01-14.

Conditions:
OBSL1-related disorder. Also called: OBSL1-related condition.

Allele frequency attached by ClinVar (database versions not stated): gnomAD 0.00009; gnomAD exomes 0.00011; ExAC 0.00016; ESP Exome Variant Server 0.00016.
gnomAD v4.1: 130 of 1,606,232 alleles (0.0081%); highest among the groups gnomAD compares: Non-Finnish European, 0.011%; no homozygotes.

Submissions (2):

Labcorp Genetics (formerly Invitae), Labcorp
Classification: Likely benign. Last evaluated: 2026-01-14. Review status: criteria provided, single submitter. Criteria: Invitae Variant Classification Sherloc (09022015). Collection method: clinical testing. Allele origin: germline.

PreventionGenetics, part of Exact Sciences
Classification: Likely benign for OBSL1-related condition. Last evaluated: 2019-08-27. Review status: no assertion criteria provided. Collection method: clinical testing. Allele origin: germline. Not counted in ClinVar's aggregate classification.
Comment: This variant is classified as likely benign based on ACMG/AMP sequence variant interpretation guidelines (Richards et al. 2015 PMID: 25741868, with internal and published modifications).